The following is an entry in ClinVar:

ClinVar aggregate classification (germline): Uncertain significance (1 of 4 stars; one submission).

Allele frequency attached by ClinVar (database versions not stated): gnomAD exomes below 0.00001.
gnomAD v4.1: 4 of 1,412,334 alleles (0.00028%); highest among the groups gnomAD compares: Non-Finnish European, 0.0004%; no homozygotes.

Submission:

ARUP Laboratories, Molecular Genetics and Genomics, ARUP Laboratories
Classification: Uncertain significance. Last evaluated: 2020-04-10. Review status: criteria provided, single submitter. Criteria: ARUP Molecular Germline Variant Investigation Process. Collection method: clinical testing. Allele origin: germline.
Comment: The CFTR c.3468+33A>G variant, to our knowledge, is not reported in the medical literature or gene-specific databases. This variant is also absent from general population databases (Exome Variant Server, Genome Aggregation Database), indicating it is not a common polymorphism. This is an intronic variant, and computational analyses (Alamut v.2.11) predict that this variant may create a novel cryptic acceptor site, although this cryptic site is predicted to be weaker than the canonical splice acceptor of exon 18. However, RNA studies would be required to determine an effect on splicing. Given the lack of clinical and functional data, the significance of the c.3468+33A>G variant is uncertain at this time.

NM_000492.4(CFTR):c.3468+33A>G

Genes: CFTR (CF transmembrane conductance regulator; plus strand), CFTR-AS2 (CFTR antisense RNA 2; minus strand). Cytogenetic location: 7q31.2.
Variant type: single nucleotide variant.
Coding change: c.3468+33A>G on transcript NM_000492.4 (MANE Select); 33 bases into the intron after coding-DNA position 3468, A replaced by G.
Molecular consequence: intron variant.
Genome position (GRCh38, 1-based): chr7:117,614,746, A>G. VCF-style: chr7-117614746-A-G. GRCh37 (hg19) VCF-style: chr7-117254800-A-G.
Identifiers: ClinVar variation 994136 (VCV000994136.8), dbSNP rs1792459342, ClinGen allele CA1139660210.